The following is an entry in ClinVar:

ClinVar aggregate classification (germline): Uncertain significance (1 of 4 stars; one submission).

gnomAD v4.1: 2 of 1,614,138 alleles (0.00012%); highest among the groups gnomAD compares: Non-Finnish European, 0.00017%; no homozygotes.

Submission:

Labcorp Genetics (formerly Invitae), Labcorp
Classification: Uncertain significance. Last evaluated: 2022-10-04. Review status: criteria provided, single submitter. Criteria: Invitae Variant Classification Sherloc (09022015). Collection method: clinical testing. Allele origin: germline.
Comment: In summary, the available evidence is currently insufficient to determine the role of this variant in disease. Therefore, it has been classified as a Variant of Uncertain Significance. This sequence change replaces valine, which is neutral and non-polar, with leucine, which is neutral and non-polar, at codon 2338 of the KMT2A protein (p.Val2338Leu). This variant is present in population databases (no rsID available, gnomAD 0.0009%). This variant has not been reported in the literature in individuals affected with KMT2A-related conditions. Advanced modeling of protein sequence and biophysical properties (such as structural, functional, and spatial information, amino acid conservation, physicochemical variation, residue mobility, and thermodynamic stability) performed at Invitae indicates that this missense variant is not expected to disrupt KMT2A protein function.

NM_001197104.2(KMT2A):c.7012G>C (p.Val2338Leu)

Gene: KMT2A (lysine methyltransferase 2A; plus strand). Cytogenetic location: 11q23.3.
Variant type: single nucleotide variant.
Coding change: c.7012G>C on transcript NM_001197104.2 (MANE Select); coding-DNA position 7012, G replaced by C.
Protein change: p.Val2338Leu; replaces valine 2338 with leucine.
Molecular consequence: missense variant.
Genome position (GRCh38, 1-based): chr11:118,502,904, G>C. VCF-style: chr11-118502904-G-C. GRCh37 (hg19) VCF-style: chr11-118373619-G-C.
Other names: c.7102G>C, p.Val2368Leu (NM_001412597.1); c.7003G>C, p.Val2335Leu (NM_005933.4); short protein forms V2335L, V2338L, V2368L.
Identifiers: ClinVar variation 1720947 (VCV001720947.5), dbSNP rs1555046303, ClinGen allele CA382803975.